The following is an entry in ClinVar:

NM_001184880.2(PCDH19):c.473C>G (p.Ser158Ter)

Gene: PCDH19 (protocadherin 19; minus strand). Cytogenetic location: Xq22.1.
Variant type: single nucleotide variant.
Coding change: c.473C>G on transcript NM_001184880.2 (MANE Select); coding-DNA position 473, C replaced by G.
Protein change: p.Ser158Ter; replaces serine 158 with a stop codon.
Molecular consequence: nonsense.
Genome position (GRCh38, 1-based): chrX:100,408,125, G>C on the plus strand (C>G on the coding strand, the complement: PCDH19 is on the minus strand). VCF-style: chrX-100408125-G-C. GRCh37 (hg19) VCF-style: chrX-99663123-G-C.
Other names: p.S158*:TCA>TGA; c.473C>G, p.Ser158Ter (NM_001105243.2, NM_020766.3); short protein forms S158*.
Identifiers: ClinVar variation 206315 (VCV000206315.4), dbSNP rs796052801, ClinGen allele CA316301.

ClinVar aggregate classification (germline): Pathogenic. Review status: criteria provided, multiple submitters, no conflicts (2 of 4 stars). 2 submissions from 2 submitters: Pathogenic (2). Last evaluated 2024-03-01.

Conditions:
Developmental and epileptic encephalopathy, 9 (DEE9). Also called: EPILEPSY, FEMALE-RESTRICTED, WITH MENTAL RETARDATION; Early infantile epileptic encephalopathy 9; JUBERG-HELLMAN SYNDROME; PCDH19-Related X-Linked Female-Limited Epilepsy with Mental Retardation. Identifiers: Orphanet 101039, Orphanet 2076, MedGen C1848137, MONDO:0010246, OMIM 300088. Disease mechanism: loss of function.

Submissions (2):

Labcorp Genetics (formerly Invitae), Labcorp
Classification: Pathogenic for Developmental and epileptic encephalopathy, 9. Last evaluated: 2024-03-01. Review status: criteria provided, single submitter. Criteria: Invitae Variant Classification Sherloc (09022015). Collection method: clinical testing. Allele origin: germline.
Comment: This sequence change creates a premature translational stop signal (p.Ser158*) in the PCDH19 gene. It is expected to result in an absent or disrupted protein product. Loss-of-function variants in PCDH19 are known to be pathogenic (PMID: 21053371). This variant is not present in population databases (gnomAD no frequency). This premature translational stop signal has been observed in individual(s) with clinical features of developmental and epileptic encephalopathy (PMID: 25818041). ClinVar contains an entry for this variant (Variation ID: 206315). For these reasons, this variant has been classified as Pathogenic.

GeneDx
Classification: Pathogenic. Last evaluated: 2013-10-08. Review status: criteria provided, single submitter. Criteria: GeneDx Variant Classification (06012015). Collection method: clinical testing. Allele origin: germline. Affected: yes.
Comment: This variant is denoted p.Ser158Stop (TCA>TGA): c.473 C>G in exon 1 of the PCDH19 gene (NM_001105243.1). The Ser158Stop nonsense mutation in the PCDH19 gene is predicted to cause loss of normal protein function either through protein truncation or nonsense-mediated mRNA decay. Although this mutation has not been reported previously to our knowledge, its presence is consistent with a diagnosis of a PCDH19-related disorder. The variant is found in EPILEPSY panel(s).

Literature cited by the submitters: PubMed 21053371 (cited by Labcorp Genetics (formerly Invitae), Labcorp); PubMed 25818041 (cited by Labcorp Genetics (formerly Invitae), Labcorp).